The following is an entry in ClinVar:

ClinVar aggregate classification (germline): Uncertain significance. Review status: criteria provided, multiple submitters, no conflicts (2 of 4 stars). 3 submissions from 3 submitters: Uncertain significance (3). Last evaluated 2025-10-03.

Conditions:
Cardiovascular phenotype. Identifiers: MedGen CN230736.
Hypertrophic cardiomyopathy 14. Identifiers: MedGen C2750467, MONDO:0013197, OMIM 613251.

Submissions (3):

Labcorp Genetics (formerly Invitae), Labcorp
Classification: Uncertain significance for Hypertrophic cardiomyopathy 14. Last evaluated: 2025-10-03. Review status: criteria provided, single submitter. Criteria: Invitae Variant Classification Sherloc (09022015). Collection method: clinical testing. Allele origin: germline.
Comment: This sequence change creates a premature translational stop signal (p.Leu690Trpfs*38) in the MYH6 gene. It is expected to result in an absent or disrupted protein product. However, the current clinical and genetic evidence is not sufficient to establish whether loss-of-function variants in MYH6 cause disease. This variant is present in population databases (rs779614256, gnomAD 0.01%). This variant has not been reported in the literature in individuals affected with MYH6-related conditions. ClinVar contains an entry for this variant (Variation ID: 984449). In summary, the available evidence is currently insufficient to determine the role of this variant in disease. Therefore, it has been classified as a Variant of Uncertain Significance.

Ambry Genetics
Classification: Uncertain significance for Cardiovascular phenotype. Last evaluated: 2025-05-08. Review status: criteria provided, single submitter. Criteria: Ambry Variant Classification Scheme 2023. Collection method: clinical testing. Allele origin: germline.
Comment: The c.2068delC variant, located in coding exon 16 of the MYH6 gene, results from a deletion of one nucleotide at nucleotide position 2068, causing a translational frameshift with a predicted alternate stop codon (p.L690Wfs*38). This alteration is expected to result in loss of function by premature protein truncation or nonsense-mediated mRNA decay. However, loss of function of MYH6 has not been clearly established as a mechanism of disease. Based on the available evidence, the clinical significance of this variant remains unclear.

Women's Health and Genetics/Laboratory Corporation of America, LabCorp
Classification: Uncertain significance. Last evaluated: 2020-10-19. Review status: criteria provided, single submitter. Criteria: LabCorp Variant Classification Summary - May 2015. Collection method: clinical testing. Allele origin: germline.
Comment: Variant summary: MYH6 c.2068delC (p.Leu690TrpfsX38) results in a premature termination codon, predicted to cause a truncation of the encoded protein or absence of the protein due to nonsense mediated decay. The variant allele was found at a frequency of 1.2e-05 in 251444 control chromosomes (gnomAD). The available data on variant occurrences in the general population are insufficient to allow any conclusion about variant significance. To our knowledge, no occurrence of c.2068delC in individuals affected with Cardiomyopathy and no experimental evidence demonstrating its impact on protein function have been reported. A co-occurrence with a pathogenic variant has been reported (MYBPC3 c.3330+5G>C; Internal testing). Evidence currently available do not allow for definitive conclusions whether loss-of-function variants in MYH6 gene cause disease. No clinical diagnostic laboratories have submitted clinical-significance assessments for this variant to ClinVar after 2014. Based on the evidence outlined above, the variant was classified as uncertain significance.

NM_002471.4(MYH6):c.2068del (p.Leu690fs)

Gene: MYH6 (myosin heavy chain 6; minus strand). Cytogenetic location: 14q11.2.
Variant type: Deletion.
Coding change: c.2068del on transcript NM_002471.4 (MANE Select); coding-DNA position 2068, one base deleted (C; older notation c.2068delC).
Protein change: p.Leu690fs; shifts the reading frame from leucine 690.
Molecular consequence: frameshift variant.
Genome position (GRCh38, 1-based): chr14:23,397,063, G deleted on the plus strand (C on the coding strand, the reverse complement: MYH6 is on the minus strand); the first of 5 consecutive G bases (chr14:23,397,063-23,397,067); deleting any one gives the same sequence. VCF-style (leftmost placement, unchanged base first): chr14-23397062-AG-A. GRCh37 (hg19) VCF-style: chr14-23866271-AG-A.
Other names: short protein forms L690fs.
Identifiers: ClinVar variation 984449 (VCV000984449.10), dbSNP rs779614256, ClinGen allele CA7115595.